The following is an entry in ClinVar:

ClinVar aggregate classification (germline): Uncertain significance. Review status: criteria provided, multiple submitters, no conflicts (2 of 4 stars). 3 submissions from 3 submitters: Uncertain significance (3). Last evaluated 2024-04-06.

Conditions:
Cardiomyopathy (CMYO). Also called: Cardiomyopathies. Identifiers: Orphanet 167848, MedGen C0878544, MONDO:0004994, HP:0001638. Inheritance: Various modes of inheritance.
Hypertrophic cardiomyopathy. Also called: HYPERTROPHIC MYOCARDIOPATHY. Identifiers: Orphanet 217569, MedGen C0007194, MeSH D002312, MONDO:0005045, HP:0001639.

Allele frequency attached by ClinVar (database versions not stated): gnomAD exomes below 0.00001; TOPMed below 0.00001.
gnomAD v4.1: 1 of 1,564,998 alleles (0.000064%); highest among the groups gnomAD compares: Non-Finnish European, 0.000087%; no homozygotes.

Submissions (3):

Labcorp Genetics (formerly Invitae), Labcorp
Classification: Uncertain significance for Hypertrophic cardiomyopathy. Last evaluated: 2024-04-06. Review status: criteria provided, single submitter. Criteria: Invitae Variant Classification Sherloc (09022015). Collection method: clinical testing. Allele origin: germline.
Comment: This sequence change replaces isoleucine, which is neutral and non-polar, with asparagine, which is neutral and polar, at codon 41 of the TNNI3 protein (p.Ile41Asn). This variant is not present in population databases (gnomAD no frequency). This missense change has been observed in individual(s) with dilated cardiomyopathy (PMID: 32746448). ClinVar contains an entry for this variant (Variation ID: 919686). An algorithm developed to predict the effect of missense changes on protein structure and function (PolyPhen-2) suggests that this variant is likely to be tolerated. In summary, the available evidence is currently insufficient to determine the role of this variant in disease. Therefore, it has been classified as a Variant of Uncertain Significance.

All of Us Research Program, National Institutes of Health
Classification: Uncertain significance for Hypertrophic cardiomyopathy. Last evaluated: 2023-02-24. Review status: criteria provided, single submitter. Criteria: ACMG Guidelines, 2015. Collection method: clinical testing. Allele origin: germline. Inheritance: Autosomal dominant inheritance. Observed: 1 variant allele, 1 heterozygote.
Comment: This missense variant replaces isoleucine with asparagine at codon 41 of the TNNI3 protein. Computational prediction tools and conservation analyses suggest that this variant may have deleterious impact on the protein function. Computational splicing tools suggest that this variant may not impact RNA splicing. To our knowledge, functional assays have not been performed for this variant nor has this variant been reported in individuals affected with cardiovascular disorders in the literature. This variant has not been identified in the general population by the Genome Aggregation Database (gnomAD). Available evidence is insufficient to determine the role of this variant in disease conclusively. Therefore, this variant is classified as a Variant of Uncertain Significance.

This study involves interpretation of variants in research participants for the purpose of population health screening. Participant phenotype was not available at the time of variant classification. Additional details can be found in publication PMID: 35346344, PMCID: PMC8962531

Color Diagnostics, LLC DBA Color Health
Classification: Uncertain significance for Cardiomyopathy. Last evaluated: 2023-01-18. Review status: criteria provided, single submitter. Criteria: ACMG Guidelines, 2015. Collection method: clinical testing. Allele origin: germline.
Comment: This missense variant replaces isoleucine with asparagine at codon 41 of the TNNI3 protein. Computational prediction suggests that this variant may have deleterious impact on protein structure and function (internally defined REVEL score threshold >= 0.7, PMID: 27666373). To our knowledge, functional studies have not been reported for this variant. This variant has not been reported in individuals affected with TNNI3-related disorders in the literature. This variant has not been identified in the general population by the Genome Aggregation Database (gnomAD). The available evidence is insufficient to determine the role of this variant in disease conclusively. Therefore, this variant is classified as a Variant of Uncertain Significance.

Literature cited by the submitters: PubMed 32746448 (cited by Labcorp Genetics (formerly Invitae), Labcorp).

NM_000363.5(TNNI3):c.122T>A (p.Ile41Asn)

Gene: TNNI3 (troponin I3, cardiac type; minus strand). Cytogenetic location: 19q13.42.
Variant type: single nucleotide variant.
Coding change: c.122T>A on transcript NM_000363.5 (MANE Select); coding-DNA position 122, T replaced by A.
Protein change: p.Ile41Asn; replaces isoleucine 41 with asparagine.
Molecular consequence: missense variant.
Genome position (GRCh38, 1-based): chr19:55,156,631, A>T on the plus strand (T>A on the coding strand, the complement: TNNI3 is on the minus strand). VCF-style: chr19-55156631-A-T. GRCh37 (hg19) VCF-style: chr19-55667999-A-T.
Other names: short protein forms I41N.
Identifiers: ClinVar variation 919686 (VCV000919686.8), dbSNP rs2085732683, ClinGen allele CA407442446.